The following is an entry in ClinVar:

NM_031220.4(PITPNM3):c.368G>A (p.Arg123His)

Gene: PITPNM3 (PITPNM family member 3; minus strand). Cytogenetic location: 17p13.2.
Variant type: single nucleotide variant.
Coding change: c.368G>A on transcript NM_031220.4 (MANE Select); coding-DNA position 368, G replaced by A.
Protein change: p.Arg123His; replaces arginine 123 with histidine.
Molecular consequence: missense variant.
Genome position (GRCh38, 1-based): chr17:6,483,736, C>T on the plus strand (G>A on the coding strand, the complement: PITPNM3 is on the minus strand). VCF-style: chr17-6483736-C-T. GRCh37 (hg19) VCF-style: chr17-6387056-C-T.
Other names: c.260G>A, p.Arg87His (NM_001165966.2); short protein forms R123H, R87H.
Identifiers: ClinVar variation 324763 (VCV000324763.12), dbSNP rs762779113, ClinGen allele CA8329836.

ClinVar aggregate classification (germline): Conflicting classifications of pathogenicity. Review status: criteria provided, conflicting classifications (1 of 4 stars). 2 submissions from 2 submitters: Uncertain significance (1); Likely benign (1). Last evaluated 2025-04-04.

Conditions:
Cone-rod dystrophy 5 (CORD5). Identifiers: Orphanet 1872, MedGen C1832976, MONDO:0010969, OMIM 600977.

Allele frequency attached by ClinVar (database versions not stated): TOPMed 0.00002.
gnomAD v4.1: 70 of 1,613,048 alleles (0.0043%); highest among the groups gnomAD compares: Non-Finnish European, 0.0055%; no homozygotes.

Submissions (2):

Labcorp Genetics (formerly Invitae), Labcorp
Classification: Uncertain significance. Last evaluated: 2025-04-04. Review status: criteria provided, single submitter. Criteria: Invitae Variant Classification Sherloc (09022015). Collection method: clinical testing. Allele origin: germline.
Comment: This sequence change replaces arginine, which is basic and polar, with histidine, which is basic and polar, at codon 123 of the PITPNM3 protein (p.Arg123His). This variant is present in population databases (rs762779113, gnomAD 0.007%). This variant has not been reported in the literature in individuals affected with PITPNM3-related conditions. ClinVar contains an entry for this variant (Variation ID: 324763). Invitae Evidence Modeling of protein sequence and biophysical properties (such as structural, functional, and spatial information, amino acid conservation, physicochemical variation, residue mobility, and thermodynamic stability) indicates that this missense variant is not expected to disrupt PITPNM3 protein function with a negative predictive value of 80%. In summary, the available evidence is currently insufficient to determine the role of this variant in disease. Therefore, it has been classified as a Variant of Uncertain Significance.

Illumina Laboratory Services, Illumina
Classification: Likely benign for Cone-rod dystrophy 5. Last evaluated: 2018-01-13. Review status: criteria provided, single submitter. Criteria: ICSL Variant Classification Criteria 13 December 2019. Collection method: clinical testing. Allele origin: germline.
Comment: This variant was observed in the ICSL laboratory as part of a predisposition screen in an ostensibly healthy population. It had not been previously curated by ICSL or reported in the Human Gene Mutation Database (HGMD: prior to June 1st, 2018), and was therefore a candidate for classification through an automated scoring system. Utilizing variant allele frequency, disease prevalence and penetrance estimates, and inheritance mode, an automated score was calculated to assess if this variant is too frequent to cause the disease. Based on the score and internal cut-off values, a variant classified as likely benign is not then subjected to further curation. The score for this variant resulted in a classification of likely benign for this disease.